The following is an entry in ClinVar:

ClinVar aggregate classification (germline): Uncertain significance. Review status: criteria provided, multiple submitters, no conflicts (2 of 4 stars). 3 submissions from 3 submitters: Uncertain significance (3). Last evaluated 2026-08-10.

Conditions:
Cardiomyopathy (CMYO). Also called: Cardiomyopathies. Identifiers: Orphanet 167848, MedGen C0878544, MONDO:0004994, HP:0001638. Inheritance: Various modes of inheritance.
MYH6-related disorder. Also called: MYH6-Related Disorders; MYH6-related condition.
Cardiovascular phenotype. Identifiers: MedGen CN230736.

gnomAD v4.1: 1 of 1,613,808 alleles (0.000062%); no homozygotes.

Submissions (3):

Ambry Genetics
Classification: Uncertain significance for Cardiovascular phenotype. Last evaluated: 2026-08-10. Review status: criteria provided, single submitter. Criteria: Ambry Variant Classification Scheme 2023. Collection method: clinical testing. Allele origin: germline.
Comment: The p.E1803K variant (also known as c.5407G>A), located in coding exon 34 of the MYH6 gene, results from a G to A substitution at nucleotide position 5407. The glutamic acid at codon 1803 is replaced by lysine, an amino acid with similar properties. This amino acid position is conserved. In addition, this alteration is predicted to be deleterious by in silico analysis. Based on the available evidence, the clinical significance of this variant remains unclear.

PreventionGenetics, part of Exact Sciences
Classification: Uncertain significance for MYH6-related condition. Last evaluated: 2025-06-17. Review status: criteria provided, single submitter. Criteria: ACMG Guidelines, 2015. Collection method: clinical testing. Allele origin: germline.
Comment: The MYH6 c.5407G>A variant is predicted to result in the amino acid substitution p.Glu1803Lys. To our knowledge, this variant has not been reported in the literature or in a large population database (gnomAD), indicating this variant is rare. At this time, the clinical significance of this variant is uncertain due to the absence of conclusive functional and genetic evidence.

Victorian Clinical Genetics Services, Murdoch Childrens Research Institute
Classification: Uncertain significance for Cardiomyopathy. Last evaluated: 2020-10-19. Review status: criteria provided, single submitter. Criteria: ACMG Guidelines, 2015. Collection method: clinical testing. Allele origin: germline. Inheritance: Autosomal dominant inheritance. Affected: yes.
Comment: Based on the classification scheme VCGS_Germline_v1.1.1, this variant is classified as VOUS - 3B. Following criteria are met: 0105 - The mechanism of disease for this gene is not clearly established. (N) 0107 - This gene is known to be associated with autosomal dominant disease. (N) 0200 - Variant is predicted to result in a missense amino acid change from glutamic acid to lysine (exon 36). (N) 0251 - Variant is heterozygous. (N) 0301 - Variant is absent from gnomAD. (P) 0309 - An alternative amino acid change at the same position has been observed in gnomAD (2 heterozygotes, 0 homozygotes). (N) 0501 - Missense variant consistently predicted to be damaging by multiple in silico tools or highly conserved with a major amino acid change. (P) 0600 - Variant is located in an annotated domain or motif (PDB, NCBI). (N) 0705 - No comparable variants have previous evidence for pathogenicity. (N) 0807 - Variant has not previously been reported in a clinical context. (N) 0905 - No segregation evidence has been identified for this variant. (N) 1007 - No published functional evidence has been identified for this variant. (N) 1208 - Inheritance information for this variant is not currently available. (N) Legend: (P) - Pathogenic, (N) - Neutral, (B) - Benign

NM_002471.4(MYH6):c.5407G>A (p.Glu1803Lys)

Gene: MYH6 (myosin heavy chain 6; minus strand). Cytogenetic location: 14q11.2.
Variant type: single nucleotide variant.
Coding change: c.5407G>A on transcript NM_002471.4 (MANE Select); coding-DNA position 5407, G replaced by A.
Protein change: p.Glu1803Lys; replaces glutamic acid 1803 with lysine.
Molecular consequence: missense variant.
Genome position (GRCh38, 1-based): chr14:23,384,600, C>T on the plus strand (G>A on the coding strand, the complement: MYH6 is on the minus strand). VCF-style: chr14-23384600-C-T. GRCh37 (hg19) VCF-style: chr14-23853809-C-T.
Other names: short protein forms E1803K.
Identifiers: ClinVar variation 1805598 (VCV001805598.3), dbSNP rs768893054, ClinGen allele CA388984619.